The following is an entry in ClinVar:

ClinVar aggregate classification (germline): Uncertain significance (1 of 4 stars; one submission).

Conditions:
MHC class I deficiency. Identifiers: Orphanet 34592, MedGen C6024714, MONDO:0011476.

Submission:

Labcorp Genetics (formerly Invitae), Labcorp
Classification: Uncertain significance for MHC class I deficiency 1. Last evaluated: 2023-10-16. Review status: criteria provided, single submitter. Criteria: Invitae Variant Classification Sherloc (09022015). Collection method: clinical testing. Allele origin: germline.
Comment: This sequence change replaces proline, which is neutral and non-polar, with histidine, which is basic and polar, at codon 291 of the TAPBP protein (p.Pro291His). This variant is not present in population databases (gnomAD no frequency). This variant has not been reported in the literature in individuals affected with TAPBP-related conditions. ClinVar contains an entry for this variant (Variation ID: 651374). An algorithm developed to predict the effect of missense changes on protein structure and function (PolyPhen-2) suggests that this variant is likely to be disruptive. In summary, the available evidence is currently insufficient to determine the role of this variant in disease. Therefore, it has been classified as a Variant of Uncertain Significance.

NM_003190.5(TAPBP):c.872C>A (p.Pro291His)

Gene: TAPBP (TAP binding protein; minus strand). Cytogenetic location: 6p21.32.
Variant type: single nucleotide variant.
Coding change: c.872C>A on transcript NM_003190.5 (MANE Select); coding-DNA position 872, C replaced by A.
Protein change: p.Pro291His; replaces proline 291 with histidine.
Molecular consequence: missense variant.
Genome position (GRCh38, 1-based): chr6:33,304,635, G>T on the plus strand (C>A on the coding strand, the complement: TAPBP is on the minus strand). VCF-style: chr6-33304635-G-T. GRCh37 (hg19) VCF-style: chr6-33272412-G-T.
Other names: c.872C>A, p.Pro291His (NM_172208.3); c.611C>A, p.Pro204His (NM_172209.3); short protein forms P204H, P291H.
Identifiers: ClinVar variation 651374 (VCV000651374.8), dbSNP rs1462974353, ClinGen allele CA363689994.